The following is an entry in ClinVar:

ClinVar aggregate classification (germline): Conflicting classifications of pathogenicity. Review status: criteria provided, conflicting classifications (1 of 4 stars). 9 submissions from 7 submitters: Uncertain significance (5); Likely benign (4). Last evaluated 2026-01-04.

Conditions:
Aortic aneurysm, familial thoracic 4 (AAT4). Also called: AORTIC ANEURYSM/AORTIC DISSECTION AND PATENT DUCTUS ARTERIOSUS. Identifiers: MedGen C1851504, MONDO:0007568, OMIM 132900.
Visceral myopathy 2. Identifiers: MedGen C5543466, MONDO:0859157, OMIM 619350.
Megacystis-microcolon-intestinal hypoperistalsis syndrome 2. Identifiers: MedGen C5543476, MONDO:0025708, OMIM 619351.
MYH11-related disorder. Also called: MYH11-related condition.
Familial thoracic aortic aneurysm and aortic dissection (TAAD). Also called: Thoracic aortic aneurysms and dissections. Identifiers: Orphanet 91387, MedGen C4707243, MONDO:0019625.
Lissencephaly 4 (LIS4). Also called: Lissencephaly 4 (with microcephaly). Identifiers: Orphanet 1083, MedGen C3151461, MONDO:0013527, OMIM 614019.

Allele frequency attached by ClinVar (database versions not stated): ExAC 0.00009; ESP Exome Variant Server 0.00023; gnomAD 0.00031 and 0.00033; TOPMed 0.00040; 1000 Genomes Project 0.00060; 1000 Genomes Project 30x 0.00078.
gnomAD v4.1: 98 of 1,614,032 alleles (0.0061%); highest among the groups gnomAD compares: African/African-American, 0.047%; no homozygotes.

Submissions (9):

Labcorp Genetics (formerly Invitae), Labcorp
Classification: Likely benign for Aortic aneurysm, familial thoracic 4. Last evaluated: 2026-01-04. Review status: criteria provided, single submitter. Criteria: Invitae Variant Classification Sherloc (09022015). Collection method: clinical testing. Allele origin: germline.

PreventionGenetics, part of Exact Sciences
Classification: Uncertain significance for MYH11-related condition. Last evaluated: 2025-08-07. Review status: criteria provided, single submitter. Criteria: ACMG Guidelines, 2015. Collection method: clinical testing. Allele origin: germline.
Comment: The MYH11 c.5549C>T variant is predicted to result in the amino acid substitution p.Ser1850Leu. To our knowledge, this variant has not been reported in the literature. This variant is reported in 0.068% of alleles in individuals of African descent in gnomAD. Although we suspect that this variant may be benign, at this time, the clinical significance of this variant is uncertain due to the absence of conclusive functional and genetic evidence.

Ambry Genetics
Classification: Likely benign for Familial thoracic aortic aneurysm and aortic dissection. Last evaluated: 2024-03-11. Review status: criteria provided, single submitter. Criteria: Ambry Variant Classification Scheme 2023. Collection method: clinical testing. Allele origin: germline.

GeneDx
Classification: Likely benign. Last evaluated: 2021-04-16. Review status: criteria provided, single submitter. Criteria: GeneDx Variant Classification Process June 2021. Collection method: clinical testing. Allele origin: germline. Affected: yes.
Comment: In silico analysis supports that this missense variant does not alter protein structure/function; Has not been previously published as pathogenic or benign to our knowledge

Color Diagnostics, LLC DBA Color Health
Classification: Likely benign for Familial thoracic aortic aneurysm and aortic dissection. Last evaluated: 2020-01-06. Review status: criteria provided, single submitter. Criteria: ACMG Guidelines, 2015. Collection method: clinical testing. Allele origin: germline.

Center for Genomics, Ann and Robert H. Lurie Children's Hospital of Chicago
Classification: Uncertain significance for Aortic aneurysm, familial thoracic 4. Last evaluated: 2019-04-30. Review status: criteria provided, single submitter. Criteria: ACMG Guidelines, 2015. Collection method: clinical testing. Allele origin: germline.
Comment: MYH11 NM_002474.2 exon 39 p.Ser1843Leu (c.5528C>T): This variant has not been reported in the literature and is present in 0.06% (17/24968) of African alleles in the Genome Aggregation Database. This variant is present in ClinVar (Variation ID:201039). Evolutionary conservation and computational predictive tools suggest that this variant may not impact the protein. In summary, data on this variant is insufficient for disease classification. Therefore, the clinical significance of this variant is uncertain.

Illumina Laboratory Services, Illumina
Classification: Uncertain significance for Aortic aneurysm, familial thoracic 4. Last evaluated: 2018-01-13. Review status: criteria provided, single submitter. Criteria: ICSL Variant Classification Criteria 13 December 2019. Collection method: clinical testing. Allele origin: germline.

Illumina Laboratory Services, Illumina
Classification: Uncertain significance for Lissencephaly 4. Last evaluated: 2018-01-13. Review status: criteria provided, single submitter. Criteria: ICSL Variant Classification Criteria 13 December 2019. Collection method: clinical testing. Allele origin: germline.

Center for Genomics, Ann and Robert H. Lurie Children's Hospital of Chicago
Classification: Uncertain significance for Megacystis-microcolon-intestinal hypoperistalsis syndrome 2; Aortic aneurysm, familial thoracic 4; Visceral myopathy 2. Review status: criteria provided, single submitter. Criteria: ACMG Guidelines, 2015. Collection method: clinical testing. Allele origin: germline.
Comment: the same text as in the submission from Center for Genomics, Ann and Robert H. Lurie Children's Hospital of Chicago above.

NM_002474.3(MYH11):c.5528C>T (p.Ser1843Leu)

Genes: MYH11 (myosin heavy chain 11; minus strand), NDE1 (nudE neurodevelopment protein 1; plus strand). Cytogenetic location: 16p13.11.
Variant type: single nucleotide variant.
Coding change: c.5528C>T on transcript NM_002474.3 (MANE Select); coding-DNA position 5528, C replaced by T.
Protein change: p.Ser1843Leu; replaces serine 1843 with leucine.
Molecular consequence: missense variant. On other transcripts: intron variant (2).
Genome position (GRCh38, 1-based): chr16:15,715,249, G>A on the plus strand (C>T on the coding strand, the complement: MYH11 is on the minus strand). VCF-style: chr16-15715249-G-A. GRCh37 (hg19) VCF-style: chr16-15809106-G-A.
Other names: p.S1843L:TCG>TTG; c.5549C>T, p.Ser1850Leu (NM_001040113.2, NM_001040114.2); c.5528C>T, p.Ser1843Leu (NM_022844.3); c.948-8942G>A (NM_001143979.2, NM_017668.3); short protein forms S1843L, S1850L.
Identifiers: ClinVar variation 201039 (VCV000201039.23), dbSNP rs148621523, ClinGen allele CA306470.